The following is an entry in ClinVar:

NM_001367916.1(MAGT1):c.373T>A (p.Ser125Thr)

Gene: MAGT1 (magnesium transporter 1; minus strand). Cytogenetic location: Xq21.1.
Variant type: single nucleotide variant.
Coding change: c.373T>A on transcript NM_001367916.1 (MANE Select); coding-DNA position 373, T replaced by A.
Protein change: p.Ser125Thr; replaces serine 125 with threonine.
Molecular consequence: missense variant.
Genome position (GRCh38, 1-based): chrX:77,870,825, A>T on the plus strand (T>A on the coding strand, the complement: MAGT1 is on the minus strand). VCF-style: chrX-77870825-A-T. GRCh37 (hg19) VCF-style: chrX-77126322-A-T.
Other names: c.469T>A, p.Ser157Thr (NM_032121.5); short protein forms S125T, S157T.
Identifiers: ClinVar variation 4806170 (VCV004806170.1).
Genomic context (GRCh38, chrX:77,870,825, plus strand): 5'-ATTTTACCTATTTTTATATAGCAGAATAAACCAAAGATCTTACCATCTGAAATACATCAG[A>T]GCCTTCATCAAAATCCACCATGGCAAAAAATATCCTGTTGGTGAATGCACTGGAGTATCG-3'
Protein context (NP_001354845.1, residues 115-135): FFAMVDFDEG[Ser125Thr]DVFQMLNMNS

ClinVar aggregate classification (germline): Uncertain significance (1 of 4 stars; one submission).

Conditions:
X-linked immunodeficiency with magnesium defect, Epstein-Barr virus infection and neoplasia. Identifiers: Orphanet 317476, MedGen C3275445, MONDO:0010455, OMIM 300853.

Submission:

Labcorp Genetics (formerly Invitae), Labcorp
Classification: Uncertain significance for X-linked immunodeficiency with magnesium defect, Epstein-Barr virus infection and neoplasia. Last evaluated: 2026-01-17. Review status: criteria provided, single submitter. Criteria: Invitae Variant Classification Sherloc (09022015). Collection method: clinical testing. Allele origin: germline.
Comment: This sequence change replaces serine, which is neutral and polar, with threonine, which is neutral and polar, at codon 157 of the MAGT1 protein (p.Ser157Thr). This variant is not present in population databases (gnomAD no frequency). This variant has not been reported in the literature in individuals affected with MAGT1-related conditions. Invitae Evidence Modeling of protein sequence and biophysical properties (such as structural, functional, and spatial information, amino acid conservation, physicochemical variation, residue mobility, and thermodynamic stability) indicates that this missense variant is not expected to disrupt MAGT1 protein function with a negative predictive value of 80%. In summary, the available evidence is currently insufficient to determine the role of this variant in disease. Therefore, it has been classified as a Variant of Uncertain Significance.